The following is an entry in ClinVar:

NM_003001.5(SDHC):c.288dup (p.Glu97Ter)

Gene: SDHC (succinate dehydrogenase complex subunit C; plus strand). Cytogenetic location: 1q23.3.
Variant type: Duplication.
Coding change: c.288dup on transcript NM_003001.5 (MANE Select); coding-DNA position 288, one base duplicated (T; older notation c.288dupT).
Protein change: p.Glu97Ter; replaces glutamic acid 97 with a stop codon.
Molecular consequence: nonsense. On other transcripts: non-coding transcript variant (1), intron variant (3).
Genome position (GRCh38, 1-based): chr1:161,356,723, T duplicated; the last of 3 consecutive T bases (chr1:161,356,721-161,356,723); duplicating any one gives the same sequence. VCF-style (leftmost placement, unchanged base first): chr1-161356720-C-CT. GRCh37 (hg19) VCF-style: chr1-161326510-C-CT.
Other names: c.186dup, p.Glu63Ter (NM_001035512.3); c.129dup, p.Glu44Ter (NM_001035513.3); c.408dup, p.Glu137Ter (NM_001407115.1); c.231dup, p.Glu78Ter (NM_001407116.1); c.225dup, p.Glu76Ter (NM_001407117.1); c.180dup, p.Glu61Ter (NM_001407118.1); c.177dup, p.Glu60Ter (NM_001407119.1, NM_001407120.1); c.242-5606dup (NM_001035511.3); and 2 more; short protein forms E63*, E97*, E44*, E60*, E61*, E76*, E78*, E137*.
Identifiers: ClinVar variation 2036721 (VCV002036721.4), dbSNP rs2526536278, ClinGen allele CA2580061308.
Genomic context (GRCh38, chr1:161,356,720, plus strand): 5'-CTTGGTTTTCTCCTCAGGGGTCTCTCTTTTTGGCATGTCGGCCCTGTTACTCCCTGGGAA[C>CT]TTTGAGTCTTATTTGGAACTTGTGAAGTCCCTGTGTCTGGGGCCAGCACTGATCCACACA-3'

ClinVar aggregate classification (germline): Pathogenic (1 of 4 stars; one submission).

Conditions:
Pheochromocytoma/paraganglioma syndrome 3. Also called: GLOMUS TUMORS, FAMILIAL, 3; Paragangliomas 3; SDHC-Related Hereditary Paraganglioma-Pheochromocytoma Syndrome (Paragangliomas 3); SDHC-Related Hereditary Paraganglioma-Pheochromocytoma Syndrome. Identifiers: Orphanet 29072, MedGen C1854336, MONDO:0011544, OMIM 605373.
Gastrointestinal stromal tumor. Also called: Gastrointestinal stroma tumor; Gastrointestinal stromal tumor, somatic. Identifiers: Orphanet 44890, MedGen C0238198, MeSH D046152, MONDO:0011719, OMIM 606764, HP:0100723.

Submission:

Labcorp Genetics (formerly Invitae), Labcorp
Classification: Pathogenic for Pheochromocytoma/paraganglioma syndrome 3; Gastrointestinal stromal tumor. Last evaluated: 2022-10-25. Review status: criteria provided, single submitter. Criteria: Invitae Variant Classification Sherloc (09022015). Collection method: clinical testing. Allele origin: germline.
Comment: This variant has not been reported in the literature in individuals affected with SDHC-related conditions. This variant is not present in population databases (gnomAD no frequency). This sequence change creates a premature translational stop signal (p.Glu97*) in the SDHC gene. It is expected to result in an absent or disrupted protein product. Loss-of-function variants in SDHC are known to be pathogenic (PMID: 17667967, 19454582, 23282968, 24758179). For these reasons, this variant has been classified as Pathogenic.

Literature cited by the submitters: PubMed 17667967; PubMed 19454582; PubMed 23282968; PubMed 24758179.